The following is an entry in ClinVar:

ClinVar aggregate classification (germline): Uncertain significance (1 of 4 stars; one submission).

Submission:

Labcorp Genetics (formerly Invitae), Labcorp
Classification: Uncertain significance. Last evaluated: 2022-03-13. Review status: criteria provided, single submitter. Criteria: Invitae Variant Classification Sherloc (09022015). Collection method: clinical testing. Allele origin: germline.
Comment: In summary, the available evidence is currently insufficient to determine the role of this variant in disease. Therefore, it has been classified as a Variant of Uncertain Significance. Algorithms developed to predict the effect of missense changes on protein structure and function are either unavailable or do not agree on the potential impact of this missense change (SIFT: "Tolerated"; PolyPhen-2: "Possibly Damaging"; Align-GVGD: "Class C0"). This variant has not been reported in the literature in individuals affected with NBAS-related conditions. This variant is not present in population databases (gnomAD no frequency). This sequence change replaces alanine, which is neutral and non-polar, with threonine, which is neutral and polar, at codon 1272 of the NBAS protein (p.Ala1272Thr).

NM_015909.4(NBAS):c.3814G>A (p.Ala1272Thr)

Gene: NBAS (NBAS subunit of NRZ tethering complex; minus strand). Cytogenetic location: 2p24.3.
Variant type: single nucleotide variant.
Coding change: c.3814G>A on transcript NM_015909.4 (MANE Select); coding-DNA position 3814, G replaced by A.
Protein change: p.Ala1272Thr; replaces alanine 1272 with threonine.
Molecular consequence: missense variant. On other transcripts: non-coding transcript variant (1).
Genome position (GRCh38, 1-based): chr2:15,366,583, C>T on the plus strand (G>A on the coding strand, the complement: NBAS is on the minus strand). VCF-style: chr2-15366583-C-T. GRCh37 (hg19) VCF-style: chr2-15506707-C-T.
Other names: short protein forms A1272T.
Identifiers: ClinVar variation 2111015 (VCV002111015.4), dbSNP rs2528670796, ClinGen allele CA345894175.